The following is an entry in ClinVar:

ClinVar aggregate classification (germline): Uncertain significance (0 of 4 stars; one submission).

Conditions:
AFF4-related disorder. Also called: AFF4-related condition.

Submission:

PreventionGenetics, part of Exact Sciences
Classification: Uncertain significance for AFF4-related condition. Last evaluated: 2024-03-06. Review status: no assertion criteria provided. Collection method: clinical testing. Allele origin: germline.
Comment: The AFF4 c.2488T>G variant is predicted to result in the amino acid substitution p.Ser830Ala. To our knowledge, this variant has not been reported in the literature or in a large population database, indicating this variant is rare. At this time, the clinical significance of this variant is uncertain due to the absence of conclusive functional and genetic evidence.

NM_014423.4(AFF4):c.2488T>G (p.Ser830Ala)

Gene: AFF4 (ALF transcription elongation factor 4; minus strand). Cytogenetic location: 5q31.1.
Variant type: single nucleotide variant.
Coding change: c.2488T>G on transcript NM_014423.4 (MANE Select); coding-DNA position 2488, T replaced by G.
Protein change: p.Ser830Ala; replaces serine 830 with alanine.
Molecular consequence: missense variant.
Genome position (GRCh38, 1-based): chr5:132,892,313, A>C on the plus strand (T>G on the coding strand, the complement: AFF4 is on the minus strand). VCF-style: chr5-132892313-A-C. GRCh37 (hg19) VCF-style: chr5-132228005-A-C.
Other names: short protein forms S830A.
Identifiers: ClinVar variation 3349209 (VCV003349209.1).